The following is an entry in ClinVar:

NM_025082.4(CENPT):c.-6G>T

Gene: CENPT (centromere protein T; minus strand). Cytogenetic location: 16q22.1.
Variant type: single nucleotide variant.
Coding change: c.-6G>T on transcript NM_025082.4 (MANE Select); 6 bases upstream of the start codon, G replaced by T.
Molecular consequence: 5 prime UTR variant.
Genome position (GRCh38, 1-based): chr16:67,833,865, C>A on the plus strand (G>T on the coding strand, the complement: CENPT is on the minus strand). VCF-style: chr16-67833865-C-A. GRCh37 (hg19) VCF-style: chr16-67867768-C-A.
Identifiers: ClinVar variation 3048500 (VCV003048500.2), dbSNP rs192016383, ClinGen allele CA8118090.
Genomic context (GRCh38, chr16:67,833,865, plus strand): 5'-CGCGTCGCAGCAGCGTGCGCGGCGTGGAGTCGCTGTCAGGGTTGTGGTCAGCCATCGTCT[C>A]GGCCCCGGGCCCTCCTAACCGCCCAGCCAGCTGCAGGCTCCGCCTTCCCGCCGCCACAGT-3'

ClinVar aggregate classification (germline): Benign (0 of 4 stars; one submission).

Conditions:
CENPT-related disorder. Also called: CENPT-related condition.

Allele frequency attached by ClinVar (database versions not stated): gnomAD exomes 0.00027; ExAC 0.00174; 1000 Genomes Project 0.00240; 1000 Genomes Project 30x 0.00281; ESP Exome Variant Server 0.00324; gnomAD 0.00354; TOPMed 0.00362.
gnomAD v4.1: 927 of 1,508,492 alleles (0.061%); highest among the groups gnomAD compares: African/African-American, 1.2%; 7 homozygotes.

Submission:

PreventionGenetics, part of Exact Sciences
Classification: Benign for CENPT-related condition. Last evaluated: 2019-11-21. Review status: no assertion criteria provided. Collection method: clinical testing. Allele origin: germline.
Comment: This variant is classified as benign based on ACMG/AMP sequence variant interpretation guidelines (Richards et al. 2015 PMID: 25741868, with internal and published modifications).